The following is an entry in ClinVar:

ClinVar aggregate classification (germline): Likely benign (0 of 4 stars; one submission).

Conditions:
CUL4B-related disorder. Also called: CUL4B-related condition.

gnomAD v4.1: 6 of 1,186,837 alleles (0.00051%); highest among the groups gnomAD compares: Non-Finnish European, 0.00057%; no homozygotes.

Submission:

PreventionGenetics, part of Exact Sciences
Classification: Likely benign for CUL4B-related condition. Last evaluated: 2024-01-03. Review status: no assertion criteria provided. Collection method: clinical testing. Allele origin: germline.
Comment: This variant is classified as likely benign based on ACMG/AMP sequence variant interpretation guidelines (Richards et al. 2015 PMID: 25741868, with internal and published modifications).

NM_001079872.2(CUL4B):c.1836G>C (p.Leu612=)

Gene: CUL4B (cullin 4B; minus strand). Cytogenetic location: Xq24.
Variant type: single nucleotide variant.
Coding change: c.1836G>C on transcript NM_001079872.2 (MANE Select); coding-DNA position 1836, G replaced by C.
Protein change: p.Leu612=; no amino-acid change (leucine 612 retained).
Molecular consequence: synonymous variant.
Genome position (GRCh38, 1-based): chrX:120,538,676, C>G on the plus strand (G>C on the coding strand, the complement: CUL4B is on the minus strand). VCF-style: chrX-120538676-C-G. GRCh37 (hg19) VCF-style: chrX-119672531-C-G.
Other names: c.1851G>C, p.Leu617= (NM_001330624.2); c.1302G>C, p.Leu434= (NM_001369145.1); c.1890G>C, p.Leu630= (NM_003588.4).
Identifiers: ClinVar variation 3352067 (VCV003352067.1).